The following is an entry in ClinVar:

NM_000535.7(PMS2):c.1617G>A (p.Ala539=)

Gene: PMS2 (PMS1 homolog 2, mismatch repair system component; minus strand). Cytogenetic location: 7p22.1.
Variant type: single nucleotide variant.
Coding change: c.1617G>A on transcript NM_000535.7 (MANE Select); coding-DNA position 1617, G replaced by A.
Protein change: p.Ala539=; no amino-acid change (alanine 539 retained).
Molecular consequence: synonymous variant. On other transcripts: non-coding transcript variant (1).
Genome position (GRCh38, 1-based): chr7:5,987,148, C>T on the plus strand (G>A on the coding strand, the complement: PMS2 is on the minus strand). VCF-style: chr7-5987148-C-T. GRCh37 (hg19) VCF-style: chr7-6026779-C-T.
Other names: c.1212G>A, p.Ala404= (NM_001322003.2, NM_001322004.2, NM_001322005.2 and 1 more transcripts); c.1461G>A, p.Ala487= (NM_001322006.2); c.1299G>A, p.Ala433= (NM_001322007.2, NM_001322008.2); c.1056G>A, p.Ala352= (NM_001322010.2); c.684G>A, p.Ala228= (NM_001322011.2, NM_001322012.2); c.1044G>A, p.Ala348= (NM_001322013.2); c.1617G>A, p.Ala539= (NM_001322014.2); c.1308G>A, p.Ala436= (NM_001322015.2); and 1 more.
Identifiers: ClinVar variation 183892 (VCV000183892.22), dbSNP rs776931237, ClinGen allele CA009920.

ClinVar aggregate classification (germline): Benign/Likely benign. Review status: criteria provided, multiple submitters, no conflicts (2 of 4 stars). 7 submissions from 7 submitters: Benign (1); Likely benign (5). 1 of the submissions does not count toward it. Last evaluated 2026-01-26.

Conditions:
PMS2-related disorder. Also called: PMS2-related condition.
Hereditary nonpolyposis colorectal neoplasms. Identifiers: MedGen C0009405, MeSH D003123.
Hereditary cancer-predisposing syndrome. Also called: Tumor predisposition; Hereditary Cancer Syndrome; Hereditary neoplastic syndrome; Neoplastic Syndromes, Hereditary. Identifiers: Orphanet 140162, MedGen C0027672, MeSH D009386, MONDO:0015356.
Lynch syndrome 4 (LYNCH4). Also called: Colorectal cancer, hereditary nonpolyposis, type 4; Hereditary non-polyposis colorectal cancer, type 4. Identifiers: Orphanet 144, MedGen C1838333, MONDO:0013699, OMIM 614337. Disease mechanism: loss of function.

Allele frequency attached by ClinVar (database versions not stated): TOPMed 0.00001; ExAC 0.00002.
gnomAD v4.1: 34 of 1,613,378 alleles (0.0021%); highest among the groups gnomAD compares: Non-Finnish European, 0.0026%; no homozygotes.

Submissions (7):

Labcorp Genetics (formerly Invitae), Labcorp
Classification: Likely benign for Hereditary nonpolyposis colorectal neoplasms. Last evaluated: 2026-01-26. Review status: criteria provided, single submitter. Criteria: Invitae Variant Classification Sherloc (09022015). Collection method: clinical testing. Allele origin: germline.

Myriad Genetics, Inc.
Classification: Benign for Lynch syndrome 4. Last evaluated: 2025-01-31. Review status: criteria provided, single submitter. Criteria: Myriad Autosomal Dominant, Autosomal Recessive and X-Linked Classification Criteria (2023). Collection method: clinical testing. Allele origin: unknown.
Comment: This variant is considered benign. This variant is a silent/synonymous amino acid change and it is not expected to impact splicing.

Women's Health and Genetics/Laboratory Corporation of America, LabCorp
Classification: Likely benign. Last evaluated: 2023-09-09. Review status: criteria provided, single submitter. Criteria: LabCorp Variant Classification Summary - May 2015. Collection method: clinical testing. Allele origin: germline.

GeneDx
Classification: Likely benign. Last evaluated: 2020-12-23. Review status: criteria provided, single submitter. Criteria: GeneDx Variant Classification Process June 2021. Collection method: clinical testing. Allele origin: germline. Affected: yes.

Color Diagnostics, LLC DBA Color Health
Classification: Likely benign for Hereditary cancer-predisposing syndrome. Last evaluated: 2015-04-09. Review status: criteria provided, single submitter. Criteria: ACMG Guidelines, 2015. Collection method: clinical testing. Allele origin: germline.

Ambry Genetics
Classification: Likely benign for Hereditary cancer-predisposing syndrome. Last evaluated: 2014-11-04. Review status: criteria provided, single submitter. Criteria: Ambry Variant Classification Scheme 2023. Collection method: clinical testing. Allele origin: germline.

PreventionGenetics, part of Exact Sciences
Classification: Likely benign for PMS2-related condition. Last evaluated: 2024-06-05. Review status: no assertion criteria provided. Collection method: clinical testing. Allele origin: germline. Not counted in ClinVar's aggregate classification.
Comment: This variant is classified as likely benign based on ACMG/AMP sequence variant interpretation guidelines (Richards et al. 2015 PMID: 25741868, with internal and published modifications).